The following is an entry in ClinVar:

NM_001267550.2(TTN):c.40222+2TA[10]

Gene: TTN (titin; minus strand). Cytogenetic location: 2q31.2.
Variant type: Microsatellite.
Coding change: c.40222+2TA[10] on transcript NM_001267550.2 (MANE Select); ten copies in a row of the 2-base unit TA starting at c.40222+2; the reference has 11 copies in a row; one copy, 2 bases deleted.
Molecular consequence: splice donor variant. On other transcripts: intron variant (6).
Genome position (GRCh38, 1-based): chr2:178,647,041-178,647,042, TA deleted on the plus strand (TA on the coding strand, the reverse complement: TTN is on the minus strand); deleting any 2 consecutive bases within chr2:178,647,041-178,647,062 gives the same sequence; the position shown is the placement nearest the transcript's 3' end. VCF-style (leftmost placement, unchanged base first): chr2-178647040-GTA-G. GRCh37 (hg19) VCF-style: chr2-179511767-GTA-G.
Other names: c.32594-1032_32594-1031del (NM_133378.4); c.13283-4745TA[10] (NM_003319.4); c.13859-4745TA[10] (NM_133437.4); c.13658-4745TA[10] (NM_133432.3); c.32594-1032TA[10] (NM_133378.4); c.35375-1032TA[10] (NM_001256850.1).
Identifiers: ClinVar variation 192211 (VCV000192211.19), dbSNP rs10580462, ClinGen allele CA200097.

ClinVar aggregate classification (germline): Benign/Likely benign. Review status: criteria provided, multiple submitters, no conflicts (2 of 4 stars). 8 submissions from 8 submitters: Benign (3); Likely benign (1). 4 of the submissions do not count toward it. Last evaluated 2026-02-03.

Conditions:
Autosomal recessive limb-girdle muscular dystrophy type 2J (LGMDR10). Also called: MUSCULAR DYSTROPHY, LIMB-GIRDLE, AUTOSOMAL RECESSIVE 10; Limb-girdle muscular dystrophy, type 2J. Identifiers: Orphanet 140922, MedGen C1837342, MONDO:0012127, OMIM 608807.
Dilated cardiomyopathy 1G (CMD1G). Identifiers: Orphanet 154, MedGen C1858763, MONDO:0011400, OMIM 604145.

Submissions (8):

Labcorp Genetics (formerly Invitae), Labcorp
Classification: Likely benign for Dilated cardiomyopathy 1G; Autosomal recessive limb-girdle muscular dystrophy type 2J. Last evaluated: 2026-02-03. Review status: criteria provided, single submitter. Criteria: Invitae Variant Classification Sherloc (09022015). Collection method: clinical testing. Allele origin: germline.

Blueprint Genetics
Classification: Benign. Last evaluated: 2024-11-25. Review status: criteria provided, single submitter. Criteria: ACMG Guidelines, 2015. Collection method: clinical testing. Allele origin: germline.

GeneDx
Classification: Benign. Last evaluated: 2019-08-10. Review status: criteria provided, single submitter. Criteria: GeneDx Variant Classification Process June 2021. Collection method: clinical testing. Allele origin: germline. Affected: yes.

Biesecker Lab/Clinical Genomics Section, National Institutes of Health
Classification: Benign. Last evaluated: 2013-06-24. Review status: criteria provided, single submitter. Criteria: Ng et al. (Circ Cardiovasc Genet. 2013). Collection method: research. Allele origin: unknown. Observed: 127 variant alleles. Study: ClinSeq.
Comment: The study set was not selected for affection status in relation to any cancer. Pathogenicity categories were based on literature curation. See Pubmed ID:23861362 for details.

Medical sequencing

Clinical Genetics, Academic Medical Center
Classification: Benign. Review status: no assertion criteria provided. Collection method: clinical testing. Allele origin: germline. Affected: yes. Study: VKGL Data-share Consensus. Not counted in ClinVar's aggregate classification.

Diagnostic Laboratory, Department of Genetics, University Medical Center Groningen
Classification: Benign. Review status: no assertion criteria provided. Collection method: clinical testing. Allele origin: germline. Affected: yes. Study: VKGL Data-share Consensus. Not counted in ClinVar's aggregate classification.

Genome Diagnostics Laboratory, University Medical Center Utrecht
Classification: Benign. Review status: no assertion criteria provided. Collection method: clinical testing. Allele origin: germline. Affected: yes. Study: VKGL Data-share Consensus. Not counted in ClinVar's aggregate classification.

Laboratory of Diagnostic Genome Analysis, Leiden University Medical Center (LUMC)
Classification: Likely benign. Review status: no assertion criteria provided. Collection method: clinical testing. Allele origin: germline. Affected: yes. Study: VKGL Data-share Consensus. Not counted in ClinVar's aggregate classification.